The following is an entry in ClinVar:

ClinVar aggregate classification (germline): Uncertain significance. Review status: criteria provided, multiple submitters, no conflicts (2 of 4 stars). 2 submissions from 2 submitters: Uncertain significance (2). Last evaluated 2024-03-16.

Conditions:
RASopathy. Also called: rasopathies; Noonan spectrum disorder. Identifiers: Orphanet 536391, MedGen C5555857, MONDO:0021060.

Submissions (2):

Labcorp Genetics (formerly Invitae), Labcorp
Classification: Uncertain significance for RASopathy. Last evaluated: 2024-03-16. Review status: criteria provided, single submitter. Criteria: Invitae Variant Classification Sherloc (09022015). Collection method: clinical testing. Allele origin: germline.
Comment: This sequence change replaces alanine, which is neutral and non-polar, with valine, which is neutral and non-polar, at codon 91 of the BRAF protein (p.Ala91Val). This variant is not present in population databases (gnomAD no frequency). This variant has not been reported in the literature in individuals affected with BRAF-related conditions. ClinVar contains an entry for this variant (Variation ID: 279923). Advanced modeling of protein sequence and biophysical properties (such as structural, functional, and spatial information, amino acid conservation, physicochemical variation, residue mobility, and thermodynamic stability) performed at Invitae indicates that this missense variant is expected to disrupt BRAF protein function with a positive predictive value of 95%. In summary, the available evidence is currently insufficient to determine the role of this variant in disease. Therefore, it has been classified as a Variant of Uncertain Significance.

GeneDx
Classification: Uncertain significance. Last evaluated: 2016-08-10. Review status: criteria provided, single submitter. Criteria: GeneDx Variant Classification (06012015). Collection method: clinical testing. Allele origin: germline. Affected: yes.
Comment: The A91V variant in the BRAF gene has not been reported previously as a pathogenic variant, nor as a benign variant, to our knowledge. The A91V variant was not observed in approximately 6,500 individuals of European and African American ancestry in the NHLBI Exome Sequencing Project, indicating it is not a common benign variant in these populations. The A91V variant is a conservative amino acid substitution, which is not likely to impact secondary protein structure as these residues share similar properties. However, this substitution occurs at a position that is conserved across species. In silico analysis is inconsistent in its predictions as to whether or not the variant is damaging to the protein structure/function. Therefore, we interpret A91V as a variant of uncertain significance.

NM_004333.6(BRAF):c.272C>T (p.Ala91Val)

Gene: BRAF (B-Raf proto-oncogene, serine/threonine kinase; minus strand). Cytogenetic location: 7q34.
Variant type: single nucleotide variant.
Coding change: c.272C>T on transcript NM_004333.6 (MANE Select); coding-DNA position 272, C replaced by T.
Protein change: p.Ala91Val; replaces alanine 91 with valine.
Molecular consequence: missense variant. On other transcripts: intron variant (1).
Genome position (GRCh38, 1-based): chr7:140,834,841, G>A on the plus strand (C>T on the coding strand, the complement: BRAF is on the minus strand). VCF-style: chr7-140834841-G-A. GRCh37 (hg19) VCF-style: chr7-140534641-G-A.
Other names: c.272C>T, p.Ala91Val (NM_001354609.2, NM_001374244.1, NM_001374258.1 and 5 more transcripts); c.170C>T, p.Ala57Val (NM_001378470.1); c.116C>T, p.Ala39Val (NM_001378472.1, NM_001378473.1); c.240+15270C>T (NM_001378475.1); short protein forms A91V, A39V, A57V.
Identifiers: ClinVar variation 279923 (VCV000279923.4), dbSNP rs886041256, ClinGen allele CA10603007.